The following is an entry in ClinVar:

NM_001350162.2(TEX15):c.4944C>G (p.Asp1648Glu)

Gene: TEX15 (testis expressed 15, meiosis and synapsis associated; minus strand). Cytogenetic location: 8p12.
Variant type: single nucleotide variant.
Coding change: c.4944C>G on transcript NM_001350162.2 (MANE Select); coding-DNA position 4944, C replaced by G.
Protein change: p.Asp1648Glu; replaces aspartic acid 1648 with glutamic acid.
Molecular consequence: missense variant.
Genome position (GRCh38, 1-based): chr8:30,845,223, G>C on the plus strand (C>G on the coding strand, the complement: TEX15 is on the minus strand). VCF-style: chr8-30845223-G-C. GRCh37 (hg19) VCF-style: chr8-30702739-G-C.
Other names: NC_000008.10:g.30702739G>C; c.3795C>G (NM_031271.3); short protein forms D1648E.
Identifiers: ClinVar variation 1176880 (VCV001176880.38), dbSNP rs117362953, ClinGen allele CA4702940.

ClinVar aggregate classification (germline): Likely benign. Review status: criteria provided, multiple submitters, no conflicts (2 of 4 stars). 3 submissions from 3 submitters: Likely benign (2). 1 of the submissions does not count toward it. Last evaluated 2026-08-01.

Conditions:
TEX15-related disorder. Also called: TEX15-related condition.
Spermatogenic failure 25. Identifiers: MedGen C4693765, MONDO:0054729, OMIM 617960.

Allele frequency attached by ClinVar (database versions not stated): 1000 Genomes Project 0.00180; 1000 Genomes Project 30x 0.00187; ESP Exome Variant Server 0.00323.
gnomAD v4.1: 7,773 of 1,613,388 alleles (0.48%); highest among the groups gnomAD compares: Non-Finnish European, 0.55%; 26 homozygotes.

Submissions (4):

CeGaT Center for Human Genetics Tuebingen
Classification: Likely benign. Last evaluated: 2026-08-01. Review status: criteria provided, single submitter. Criteria: CeGaT Center For Human Genetics Tuebingen Variant Classification Criteria Version 2. Collection method: clinical testing. Allele origin: germline. Affected: yes. Observed: 5 variant alleles.
Comment: TEX15: BP4, BS2

Yatsenko Laboratory, Magee-Womens Research Institute, University of Pittsburgh
Classification: Likely benign for Spermatogenic failure 25. Last evaluated: 2022-12-30. Review status: criteria provided, single submitter. Criteria: ACMG Guidelines, 2015. Collection method: research. Allele origin: unknown. Affected: no. Observed: 2 variant alleles.

PreventionGenetics, part of Exact Sciences
Classification: Benign for TEX15-related condition. Last evaluated: 2019-08-28. Review status: no assertion criteria provided. Collection method: clinical testing. Allele origin: germline. Not counted in ClinVar's aggregate classification.
Comment: This variant is classified as benign based on ACMG/AMP sequence variant interpretation guidelines (Richards et al. 2015 PMID: 25741868, with internal and published modifications).

Dr. Peter K. Rogan Lab, Western University
No classification provided (evidence only). Condition: Uterine corpus endometrial carcinoma. Review status: no classification provided. Collection method: in vitro. Allele origin: not applicable. Functional consequence: retained intron. Not counted in ClinVar's aggregate classification.